The following is an entry in ClinVar:

ClinVar aggregate classification (germline): Uncertain significance (1 of 4 stars; one submission).

Conditions:
Deficiency of alpha-mannosidase (MANSA). Also called: Mannosidosis, alpha-, types I and II; LYSOSOMAL ALPHA-D-MANNOSIDASE DEFICIENCY; Alpha-Mannosidosis. Identifiers: Orphanet 61, MedGen C0024748, MONDO:0009561, OMIM 248500.

Submission:

Labcorp Genetics (formerly Invitae), Labcorp
Classification: Uncertain significance for Deficiency of alpha-mannosidase. Last evaluated: 2023-08-04. Review status: criteria provided, single submitter. Criteria: Invitae Variant Classification Sherloc (09022015). Collection method: clinical testing. Allele origin: germline.
Comment: Algorithms developed to predict the effect of sequence changes on RNA splicing suggest that this variant may create or strengthen a splice site. In summary, the available evidence is currently insufficient to determine the role of this variant in disease. Therefore, it has been classified as a Variant of Uncertain Significance. Advanced modeling of protein sequence and biophysical properties (such as structural, functional, and spatial information, amino acid conservation, physicochemical variation, residue mobility, and thermodynamic stability) performed at Invitae indicates that this missense variant is not expected to disrupt MAN2B1 protein function. ClinVar contains an entry for this variant (Variation ID: 2104391). This variant has not been reported in the literature in individuals affected with MAN2B1-related conditions. This variant is not present in population databases (gnomAD no frequency). This sequence change replaces alanine, which is neutral and non-polar, with valine, which is neutral and non-polar, at codon 507 of the MAN2B1 protein (p.Ala507Val).

NM_000528.4(MAN2B1):c.1520C>T (p.Ala507Val)

Gene: MAN2B1 (mannosidase alpha class 2B member 1; minus strand). Cytogenetic location: 19p13.13.
Variant type: single nucleotide variant.
Coding change: c.1520C>T on transcript NM_000528.4 (MANE Select); coding-DNA position 1520, C replaced by T.
Protein change: p.Ala507Val; replaces alanine 507 with valine.
Molecular consequence: missense variant.
Genome position (GRCh38, 1-based): chr19:12,656,956, G>A on the plus strand (C>T on the coding strand, the complement: MAN2B1 is on the minus strand). VCF-style: chr19-12656956-G-A. GRCh37 (hg19) VCF-style: chr19-12767770-G-A.
Other names: c.1517C>T, p.Ala506Val (NM_001173498.2); short protein forms A506V, A507V.
Identifiers: ClinVar variation 2104391 (VCV002104391.4), dbSNP rs2512499962, ClinGen allele CA404246098.